The following is an entry in ClinVar:

ClinVar aggregate classification (germline): Uncertain significance (0 of 4 stars; one submission).

Conditions:
SEMA3F-related disorder. Also called: SEMA3F-related condition.

Submission:

PreventionGenetics, part of Exact Sciences
Classification: Uncertain significance for SEMA3F-related condition. Last evaluated: 2024-04-09. Review status: no assertion criteria provided. Collection method: clinical testing. Allele origin: germline.
Comment: The SEMA3F c.1193T>C variant is predicted to result in the amino acid substitution p.Met398Thr. To our knowledge, this variant has not been reported in the literature or in a large population database, indicating this variant is rare. At this time, the clinical significance of this variant is uncertain due to the absence of conclusive functional and genetic evidence.

NM_004186.5(SEMA3F):c.1193T>C (p.Met398Thr)

Gene: SEMA3F (semaphorin 3F; plus strand). Cytogenetic location: 3p21.31.
Variant type: single nucleotide variant.
Coding change: c.1193T>C on transcript NM_004186.5 (MANE Select); coding-DNA position 1193, T replaced by C.
Protein change: p.Met398Thr; replaces methionine 398 with threonine.
Molecular consequence: missense variant.
Genome position (GRCh38, 1-based): chr3:50,183,524, T>C. VCF-style: chr3-50183524-T-C. GRCh37 (hg19) VCF-style: chr3-50220957-T-C.
Other names: c.896T>C, p.Met299Thr (NM_001318798.2); c.1100T>C, p.Met367Thr (NM_001318800.2); short protein forms M299T, M367T, M398T.
Identifiers: ClinVar variation 3345205 (VCV003345205.1).